The following is an entry in ClinVar:

NM_001395408.1(SCYGR7):c.46T>G (p.Cys16Gly)

Gene: SCYGR7 (small cysteine and glycine repeat containing 7; plus strand). Cytogenetic location: 2q36.3.
Variant type: single nucleotide variant.
Coding change: c.46T>G on transcript NM_001395408.1 (MANE Select); coding-DNA position 46, T replaced by G.
Protein change: p.Cys16Gly; replaces cysteine 16 with glycine.
Molecular consequence: missense variant.
Genome position (GRCh38, 1-based): chr2:227,728,380, T>G. VCF-style: chr2-227728380-T-G. GRCh37 (hg19) VCF-style: chr2-228593096-T-G.
Other names: short protein forms C16G.
Identifiers: ClinVar variation 4533593 (VCV004533593.6).

ClinVar aggregate classification (germline): Likely benign (1 of 4 stars; one submission).

gnomAD v4.1: 1,249 of 403,100 alleles (0.31%); highest among the groups gnomAD compares: Non-Finnish European, 0.45%; 3 homozygotes.

Submission:

CeGaT Center for Human Genetics Tuebingen
Classification: Likely benign. Last evaluated: 2025-10-01. Review status: criteria provided, single submitter. Criteria: CeGaT Center For Human Genetics Tuebingen Variant Classification Criteria Version 2. Collection method: clinical testing. Allele origin: germline. Affected: yes. Observed: 1 variant allele.
Comment: SCYGR7: BS2